The following is an entry in ClinVar:

NM_001122630.2(CDKN1C):c.204G>C (p.Trp68Cys)

Gene: CDKN1C (cyclin dependent kinase inhibitor 1C; minus strand). Cytogenetic location: 11p15.4.
Variant type: single nucleotide variant.
Coding change: c.204G>C on transcript NM_001122630.2 (MANE Select); coding-DNA position 204, G replaced by C.
Protein change: p.Trp68Cys; replaces tryptophan 68 with cysteine.
Molecular consequence: missense variant.
Genome position (GRCh38, 1-based): chr11:2,885,253, C>G on the plus strand (G>C on the coding strand, the complement: CDKN1C is on the minus strand). VCF-style: chr11-2885253-C-G. GRCh37 (hg19) VCF-style: chr11-2906483-C-G.
Other names: c.237G>C, p.Trp79Cys (NM_000076.2, NM_001362474.2); c.204G>C, p.Trp68Cys (NM_001122631.2, NM_001362475.2); short protein forms W68C, W79C.
Identifiers: ClinVar variation 1380842 (VCV001380842.7), dbSNP rs2133785693, ClinGen allele CA379147282.

ClinVar aggregate classification (germline): Uncertain significance. Review status: criteria provided, multiple submitters, no conflicts (2 of 4 stars). 2 submissions from 2 submitters: Uncertain significance (2). Last evaluated 2022-03-12.

Conditions:
Beckwith-Wiedemann syndrome (BWS). Also called: Exomphalos macroglossia gigantism syndrome; EMG SYNDROME. Identifiers: Orphanet 116, MedGen C0004903, MONDO:0007534, OMIM 130650.
IMAGe syndrome. Also called: Intrauterine Growth Restriction, Metaphyseal Dysplasia, Adrenal Hypoplasia Congenita, and Genital Anomalies; Intrauterine growth retardation, metaphyseal dysplasia, adrenal hypoplasia congenita, and genital anomalies. Identifiers: Orphanet 85173, MedGen C1846009, MONDO:0013873, OMIM 614732.

Submissions (2):

Fulgent Genetics
Classification: Uncertain significance for Beckwith-Wiedemann syndrome; IMAGe syndrome. Last evaluated: 2022-03-12. Review status: criteria provided, single submitter. Criteria: ACMG Guidelines, 2015. Collection method: clinical testing. Allele origin: unknown.

Labcorp Genetics (formerly Invitae), Labcorp
Classification: Uncertain significance for Beckwith-Wiedemann syndrome. Last evaluated: 2021-09-21. Review status: criteria provided, single submitter. Criteria: Invitae Variant Classification Sherloc (09022015). Collection method: clinical testing. Allele origin: germline.
Comment: In summary, the available evidence is currently insufficient to determine the role of this variant in disease. Therefore, it has been classified as a Variant of Uncertain Significance. Algorithms developed to predict the effect of missense changes on protein structure and function (SIFT, PolyPhen-2, Align-GVGD) all suggest that this variant is likely to be disruptive. This missense change has been observed in individual(s) with clinical features of Beckwith-Wiedemann syndrome (PMID: 34065128). This variant is not present in population databases (ExAC no frequency). This sequence change replaces tryptophan with cysteine at codon 79 of the CDKN1C protein (p.Trp79Cys). The tryptophan residue is highly conserved and there is a large physicochemical difference between tryptophan and cysteine.

Literature cited by the submitters: PubMed 34065128 (cited by Labcorp Genetics (formerly Invitae), Labcorp).